The following is an entry in ClinVar:

ClinVar aggregate classification (germline): Pathogenic. Review status: criteria provided, multiple submitters, no conflicts (2 of 4 stars). 2 submissions from 2 submitters: Pathogenic (2). Last evaluated 2025-10-17.

Conditions:
Osteogenesis imperfecta type I (OI1). Also called: Lobstein disease; OI, TYPE I; OSTEOGENESIS IMPERFECTA TARDA; OSTEOGENESIS IMPERFECTA WITH BLUE SCLERAE; Osteogenesis imperfecta type 1; Lobstein's Disease. Identifiers: Orphanet 216796, Orphanet 666, MedGen C0023931, MONDO:0008146, OMIM 166200. Disease mechanism: loss of function.

Submissions (2):

GeneDx
Classification: Pathogenic. Last evaluated: 2025-10-17. Review status: criteria provided, single submitter. Criteria: GeneDx Variant Classification Process June 2021. Collection method: clinical testing. Allele origin: germline. Affected: yes.
Comment: Frameshift variant predicted to result in protein truncation or nonsense mediated decay in a gene for which loss of function is a known mechanism of disease; Not observed at significant frequency in large population cohorts (gnomAD); Has not been previously published as pathogenic or benign to our knowledge

Labcorp Genetics (formerly Invitae), Labcorp
Classification: Pathogenic for Osteogenesis imperfecta type I. Last evaluated: 2024-03-03. Review status: criteria provided, single submitter. Criteria: Invitae Variant Classification Sherloc (09022015). Collection method: clinical testing. Allele origin: germline.
Comment: This sequence change creates a premature translational stop signal (p.Pro919Leufs*189) in the COL1A1 gene. It is expected to result in an absent or disrupted protein product. Loss-of-function variants in COL1A1 are known to be pathogenic (PMID: 7942841, 9295084, 9443882). This variant is not present in population databases (gnomAD no frequency). This variant has not been reported in the literature in individuals affected with COL1A1-related conditions. ClinVar contains an entry for this variant (Variation ID: 1209249). For these reasons, this variant has been classified as Pathogenic.

Literature cited by the submitters: PubMed 7942841 (cited by Labcorp Genetics (formerly Invitae), Labcorp); PubMed 9295084 (cited by Labcorp Genetics (formerly Invitae), Labcorp); PubMed 9443882 (cited by Labcorp Genetics (formerly Invitae), Labcorp).

NM_000088.4(COL1A1):c.2756del (p.Pro919fs)

Gene: COL1A1 (collagen type I alpha 1 chain; minus strand). Cytogenetic location: 17q21.33.
Variant type: Deletion.
Coding change: c.2756del on transcript NM_000088.4 (MANE Select); coding-DNA position 2756, one base deleted (C; older notation c.2756delC).
Protein change: p.Pro919fs; shifts the reading frame from proline 919.
Molecular consequence: frameshift variant.
Genome position (GRCh38, 1-based): chr17:50,189,450, G deleted on the plus strand (C on the coding strand, the reverse complement: COL1A1 is on the minus strand); the first of 2 consecutive G bases (chr17:50,189,450-50,189,451); deleting either gives the same sequence. VCF-style (leftmost placement, unchanged base first): chr17-50189449-AG-A. GRCh37 (hg19) VCF-style: chr17-48266810-AG-A.
Other names: c.2756delC (NM_000088.3); c.2756del (NM_000088.3); short protein forms P919fs.
Identifiers: ClinVar variation 1209249 (VCV001209249.10), dbSNP rs2144550253, ClinGen allele CA2499224721.